The following is an entry in ClinVar:

NM_001369268.1(ACAN):c.1399G>T (p.Ala467Ser)

Gene: ACAN (aggrecan; plus strand). Cytogenetic location: 15q26.1.
Variant type: single nucleotide variant.
Coding change: c.1399G>T on transcript NM_001369268.1 (MANE Select); coding-DNA position 1399, G replaced by T.
Protein change: p.Ala467Ser; replaces alanine 467 with serine.
Molecular consequence: missense variant.
Genome position (GRCh38, 1-based): chr15:88,845,852, G>T. VCF-style: chr15-88845852-G-T. GRCh37 (hg19) VCF-style: chr15-89389083-G-T.
Other names: c.1399G>T, p.Ala467Ser (NM_001135.4, NM_001411096.1, NM_001411097.1 and 1 more transcripts); short protein forms A467S.
Identifiers: ClinVar variation 2968796 (VCV002968796.3), dbSNP rs770829348, ClinGen allele CA274470881.

ClinVar aggregate classification (germline): Uncertain significance (1 of 4 stars; one submission).

gnomAD v4.1: 5 of 1,471,042 alleles (0.00034%); highest among the groups gnomAD compares: Admixed American, 0.0099%; no homozygotes.

Submission:

Labcorp Genetics (formerly Invitae), Labcorp
Classification: Uncertain significance. Last evaluated: 2025-11-23. Review status: criteria provided, single submitter. Criteria: Invitae Variant Classification Sherloc (09022015). Collection method: clinical testing. Allele origin: germline.
Comment: This sequence change replaces alanine, which is neutral and non-polar, with serine, which is neutral and polar, at codon 467 of the ACAN protein (p.Ala467Ser). This variant is present in population databases (no rsID available, gnomAD 0.04%). This variant has not been reported in the literature in individuals affected with ACAN-related conditions. ClinVar contains an entry for this variant (Variation ID: 2968796). Invitae Evidence Modeling of protein sequence and biophysical properties (such as structural, functional, and spatial information, amino acid conservation, physicochemical variation, residue mobility, and thermodynamic stability) indicates that this missense variant is not expected to disrupt ACAN protein function with a negative predictive value of 80%. In summary, the available evidence is currently insufficient to determine the role of this variant in disease. Therefore, it has been classified as a Variant of Uncertain Significance.